The following is an entry in ClinVar:

NM_000535.7(PMS2):c.91G>T (p.Val31Leu)

Gene: PMS2 (PMS1 homolog 2, mismatch repair system component; minus strand). Cytogenetic location: 7p22.1.
Variant type: single nucleotide variant.
Coding change: c.91G>T on transcript NM_000535.7 (MANE Select); coding-DNA position 91, G replaced by T.
Protein change: p.Val31Leu; replaces valine 31 with leucine.
Molecular consequence: missense variant. On other transcripts: 5 prime UTR variant (8), non-coding transcript variant (1), intron variant (3).
Genome position (GRCh38, 1-based): chr7:6,005,964, C>A on the plus strand (G>T on the coding strand, the complement: PMS2 is on the minus strand). VCF-style: chr7-6005964-C-A. GRCh37 (hg19) VCF-style: chr7-6045595-C-A.
Other names: c.-315G>T (NM_001322003.2, NM_001322005.2, NM_001322009.2 and 1 more transcripts); c.91G>T, p.Val31Leu (NM_001322006.2, NM_001322014.2); c.-125G>T (NM_001322007.2); c.-794G>T (NM_001322011.2, NM_001322012.2); c.-394G>T (NM_001322015.2); c.-52-1906G>T (NM_001322008.2); c.-242-1906G>T (NM_001322010.2, NM_001322004.2); short protein forms V31L.
Identifiers: ClinVar variation 187477 (VCV000187477.23), dbSNP rs786203763, ClinGen allele CA013264.

ClinVar aggregate classification (germline): Uncertain significance. Review status: criteria provided, multiple submitters, no conflicts (2 of 4 stars). 6 submissions from 6 submitters: Uncertain significance (6). Last evaluated 2026-05-05.

Conditions:
PMS2-related disorder. Also called: PMS2-related condition.
Hereditary nonpolyposis colorectal neoplasms. Identifiers: MedGen C0009405, MeSH D003123.
Hereditary cancer-predisposing syndrome. Also called: Neoplastic Syndromes, Hereditary; Tumor predisposition; Hereditary neoplastic syndrome; Hereditary Cancer Syndrome. Identifiers: Orphanet 140162, MedGen C0027672, MeSH D009386, MONDO:0015356.
Lynch syndrome 4 (LYNCH4). Also called: Colorectal cancer, hereditary nonpolyposis, type 4; Hereditary non-polyposis colorectal cancer, type 4. Identifiers: Orphanet 144, MedGen C1838333, MONDO:0013699, OMIM 614337. Disease mechanism: loss of function.

Submissions (6):

PreventionGenetics, part of Exact Sciences
Classification: Uncertain significance for PMS2-related condition. Last evaluated: 2026-05-05. Review status: criteria provided, single submitter. Criteria: ACMG Guidelines, 2015. Collection method: clinical testing. Allele origin: germline.
Comment: The PMS2 c.91G>T variant is predicted to result in the amino acid substitution p.Val31Leu. To our knowledge, this variant has not been reported in the literature or in a large population database (gnomAD), indicating this variant is rare. This variant is classified as uncertain by multiple institutions in ClinVar (Variation ID: 187477). At this time, the clinical significance of this variant is uncertain due to the absence of conclusive functional and genetic evidence.

Labcorp Genetics (formerly Invitae), Labcorp
Classification: Uncertain significance for Hereditary nonpolyposis colorectal neoplasms. Last evaluated: 2026-01-10. Review status: criteria provided, single submitter. Criteria: Invitae Variant Classification Sherloc (09022015). Collection method: clinical testing. Allele origin: germline.
Comment: This sequence change replaces valine, which is neutral and non-polar, with leucine, which is neutral and non-polar, at codon 31 of the PMS2 protein (p.Val31Leu). This variant is not present in population databases (gnomAD no frequency). This variant has not been reported in the literature in individuals affected with PMS2-related conditions. ClinVar contains an entry for this variant (Variation ID: 187477). Invitae Evidence Modeling incorporating data from in vitro experimental studies (internal data) indicates that this missense variant is not expected to disrupt PMS2 function with a negative predictive value of 95%. In summary, the available evidence is currently insufficient to determine the role of this variant in disease. Therefore, it has been classified as a Variant of Uncertain Significance.

Ambry Genetics
Classification: Uncertain significance for Hereditary cancer-predisposing syndrome. Last evaluated: 2025-03-28. Review status: criteria provided, single submitter. Criteria: Ambry Variant Classification Scheme 2023. Collection method: clinical testing. Allele origin: germline.
Comment: The p.V31L variant (also known as c.91G>T), located in coding exon 2 of the PMS2 gene, results from a G to T substitution at nucleotide position 91. The valine at codon 31 is replaced by leucine, an amino acid with highly similar properties. This amino acid position is highly conserved in available vertebrate species. In addition, this alteration is predicted to be deleterious by in silico analysis. Based on the available evidence, the clinical significance of this variant remains unclear.

Color Diagnostics, LLC DBA Color Health
Classification: Uncertain significance for Hereditary cancer-predisposing syndrome. Last evaluated: 2023-12-05. Review status: criteria provided, single submitter. Criteria: ACMG Guidelines, 2015. Collection method: clinical testing. Allele origin: germline.
Comment: This missense variant replaces valine with leucine at codon 31 of the PMS2 protein. Computational prediction suggests that this variant may have deleterious impact on protein structure and function (internally defined REVEL score threshold >= 0.7, PMID: 27666373). To our knowledge, functional studies have not been reported for this variant. This variant has not been reported in individuals affected with PMS2-related disorders in the literature. This variant has not been identified in the general population by the Genome Aggregation Database (gnomAD). The available evidence is insufficient to determine the role of this variant in disease conclusively. Therefore, this variant is classified as a Variant of Uncertain Significance.

Baylor Genetics
Classification: Uncertain significance for Lynch syndrome 4. Last evaluated: 2023-10-10. Review status: criteria provided, single submitter. Criteria: ACMG Guidelines, 2015. Collection method: clinical testing. Allele origin: unknown.

Sema4
Classification: Uncertain significance for Hereditary cancer-predisposing syndrome. Last evaluated: 2021-06-24. Review status: criteria provided, single submitter. Criteria: Sema4 Curation Guidelines. Collection method: curation. Allele origin: germline.
Comment: The PMS2 c.91G>T (p.V31L) variant has not been reported in the literature to our knowledge. It was not observed in the large and broad cohorts of the Genome Aggregation Database. The variant has been reported in ClinVar (Variation ID 187477). In silico tools suggest the impact of the variant on protein function is deleterious, though these predictions have not been confirmed by functional studies. The evidence is insufficient to meet ACMG/AMP criteria for classifying the variant as benign or pathogenic. Thus, the clinical significance of this variant is currently uncertain.